The following is an entry in ClinVar:

ClinVar aggregate classification (germline): Benign. Review status: criteria provided, multiple submitters, no conflicts (2 of 4 stars). 2 submissions from 2 submitters: Benign (2). Last evaluated 2018-06-18.

Allele frequency attached by ClinVar (database versions not stated): gnomAD 0.38367 and 0.38503; TOPMed 0.38551; gnomAD exomes 0.39185; 1000 Genomes Project 0.39437; 1000 Genomes Project 30x 0.39475.
gnomAD v4.1: 101,014 of 260,630 alleles (39%); highest among the groups gnomAD compares: East Asian, 54%; 20,427 homozygotes.

Submissions (2):

GeneDx
Classification: Benign. Last evaluated: 2018-06-18. Review status: criteria provided, single submitter. Criteria: GeneDx Variant Classification (06012015). Collection method: clinical testing. Allele origin: germline. Affected: yes.
Comment: This variant is considered likely benign or benign based on one or more of the following criteria: it is a conservative change, it occurs at a poorly conserved position in the protein, it is predicted to be benign by multiple in silico algorithms, and/or has population frequency not consistent with disease.

Breakthrough Genomics
Classification: Benign. Review status: criteria provided, single submitter. Criteria: ACMG Guidelines, 2015. Collection method: not provided. Allele origin: germline. Inheritance: Autosomal dominant inheritance. Affected: yes.

NM_001040142.2(SCN2A):c.3850-339A>G

Gene: SCN2A (sodium voltage-gated channel alpha subunit 2; plus strand). Cytogenetic location: 2q24.3.
Variant type: single nucleotide variant.
Coding change: c.3850-339A>G on transcript NM_001040142.2 (MANE Select); 339 bases into the intron before coding-DNA position 3850, A replaced by G.
Molecular consequence: intron variant.
Genome position (GRCh38, 1-based): chr2:165,372,886, A>G. VCF-style: chr2-165372886-A-G. GRCh37 (hg19) VCF-style: chr2-166229396-A-G.
Other names: c.3850-339A>G (NM_001040143.2, NM_001371246.1, NM_001371247.1 and 1 more transcripts).
Identifiers: ClinVar variation 684250 (VCV000684250.2), dbSNP rs1560626, ClinGen allele CA59736291.